The following is an entry in ClinVar:

NM_000090.4(COL3A1):c.1750A>G (p.Lys584Glu)

Gene: COL3A1 (collagen type III alpha 1 chain; plus strand). Cytogenetic location: 2q32.2.
Variant type: single nucleotide variant.
Coding change: c.1750A>G on transcript NM_000090.4 (MANE Select); coding-DNA position 1750, A replaced by G.
Protein change: p.Lys584Glu; replaces lysine 584 with glutamic acid.
Molecular consequence: missense variant.
Genome position (GRCh38, 1-based): chr2:188,996,485, A>G. VCF-style: chr2-188996485-A-G. GRCh37 (hg19) VCF-style: chr2-189861211-A-G.
Other names: short protein forms K584E.
Identifiers: ClinVar variation 3372568 (VCV003372568.1).

ClinVar aggregate classification (germline): Uncertain significance (1 of 4 stars; one submission).

gnomAD v4.1: 1 of 1,613,586 alleles (0.000062%); highest among the groups gnomAD compares: East Asian, 0.0022%; no homozygotes.

Submission:

GeneDx
Classification: Uncertain significance. Last evaluated: 2024-04-15. Review status: criteria provided, single submitter. Criteria: GeneDx Variant Classification Process June 2021. Collection method: clinical testing. Allele origin: germline. Affected: yes.
Comment: Not observed at significant frequency in large population cohorts (gnomAD); In silico analysis supports that this missense variant has a deleterious effect on protein structure/function; Has not been previously published as pathogenic or benign to our knowledge